The following is an entry in ClinVar:

ClinVar aggregate classification (germline): Pathogenic (1 of 4 stars; one submission).

Submission:

GeneDx
Classification: Pathogenic. Last evaluated: 2013-08-29. Review status: criteria provided, single submitter. Criteria: GeneDx Variant Classification (06012015). Collection method: clinical testing. Allele origin: germline. Affected: yes.
Comment: c.828_841delGGTGCTGCAGCTGT: p.Val277ProfsX99 (V277PfsX99) in exon 6 of the SLC2A1 gene (NM_006516.2). The normal sequence with the bases that are deleted in braces is: CTGT{GGTGCTGCAGCTGT}CCCA.The c.828_841delGGTGCTGCAGCTGT mutation in the SLC2A1 gene causes a frameshift starting with codon Valine 277, changes this amino acid to a Proline residue and creates a premature Stop codon at position 99 of the new reading frame, denoted p.Val277ProfsX99. This mutation is predicted to cause loss of normal protein function either through protein truncation or nonsense-mediated mRNA decay. This mutation has not been previously reported to our knowledge. The variant is found in EPILEPSY panel(s).

NM_006516.4(SLC2A1):c.828_841del (p.Val277fs)

Gene: SLC2A1 (solute carrier family 2 member 1; minus strand). Cytogenetic location: 1p34.2.
Variant type: Deletion.
Coding change: c.828_841del on transcript NM_006516.4 (MANE Select); coding-DNA positions 828 to 841, 14 bases deleted (GGTGCTGCAGCTGT).
Protein change: p.Val277fs; shifts the reading frame from valine 277.
Molecular consequence: frameshift variant.
Genome position (GRCh38, 1-based): chr1:42,929,619-42,929,632, ACAGCTGCAGCACC deleted on the plus strand (GGTGCTGCAGCTGT on the coding strand, the reverse complement: SLC2A1 is on the minus strand); deleting any 14 consecutive bases within chr1:42,929,619-42,929,637 gives the same sequence; the c. name uses the placement nearest the transcript's 3' end. VCF-style (leftmost placement, unchanged base first): chr1-42929618-GACAGCTGCAGCACC-G. GRCh37 (hg19) VCF-style: chr1-43395289-GACAGCTGCAGCACC-G.
Other names: short protein forms V277fs.
Identifiers: ClinVar variation 207221 (VCV000207221.1), dbSNP rs796053268, ClinGen allele CA318484.